The following is an entry in ClinVar:

NM_003072.5(SMARCA4):c.1620G>T (p.Lys540Asn)

Gene: SMARCA4 (SWI/SNF related BAF chromatin remodeling complex subunit ATPase 4; plus strand). Cytogenetic location: 19p13.2.
Variant type: single nucleotide variant.
Coding change: c.1620G>T on transcript NM_003072.5 (MANE Select); coding-DNA position 1620, G replaced by T.
Protein change: p.Lys540Asn; replaces lysine 540 with asparagine.
Molecular consequence: missense variant. On other transcripts: non-coding transcript variant (1).
Genome position (GRCh38, 1-based): chr19:10,996,239, G>T. VCF-style: chr19-10996239-G-T. GRCh37 (hg19) VCF-style: chr19-11106915-G-T.
Other names: c.1620G>T, p.Lys540Asn (NM_001128844.3, NM_001128845.2, NM_001128846.2 and 6 more transcripts); short protein forms K540N.
Identifiers: ClinVar variation 2109486 (VCV002109486.3), dbSNP rs2145969558, ClinGen allele CA404064266.
Genomic context (GRCh38, chr19:10,996,239, plus strand): 5'-CCACCACATTGCAGTAACCCCCATGCTTTTGTAGGCTGAAGATGAGGAGGGGTACCGCAA[G>T]CTCATCGACCAGAAGAAGGACAAGCGCCTGGCCTACCTCTTGCAGCAGACAGACGAGTAC-3'
Protein context (NP_003063.2, residues 530-550): LMAEDEEGYR[Lys540Asn]LIDQKKDKRL

ClinVar aggregate classification (germline): Uncertain significance (1 of 4 stars; one submission).

Conditions:
Rhabdoid tumor predisposition syndrome 2 (RTPS2). Identifiers: Orphanet 231108, Orphanet 69077, MedGen C2750074, MONDO:0013224, OMIM 613325.

Submission:

Labcorp Genetics (formerly Invitae), Labcorp
Classification: Uncertain significance for Rhabdoid tumor predisposition syndrome 2. Last evaluated: 2022-03-11. Review status: criteria provided, single submitter. Criteria: Invitae Variant Classification Sherloc (09022015). Collection method: clinical testing. Allele origin: germline.
Comment: In summary, the available evidence is currently insufficient to determine the role of this variant in disease. Therefore, it has been classified as a Variant of Uncertain Significance. This sequence change replaces lysine, which is basic and polar, with asparagine, which is neutral and polar, at codon 540 of the SMARCA4 protein (p.Lys540Asn). This variant is not present in population databases (gnomAD no frequency). This variant has not been reported in the literature in individuals affected with SMARCA4-related conditions. Algorithms developed to predict the effect of missense changes on protein structure and function are either unavailable or do not agree on the potential impact of this missense change (SIFT: "Deleterious"; PolyPhen-2: "Benign"; Align-GVGD: "Class C0").